The following is an entry in ClinVar:

NM_006231.4(POLE):c.1406T>C (p.Leu469Pro)

Gene: POLE (DNA polymerase epsilon, catalytic subunit; minus strand). Cytogenetic location: 12q24.33.
Variant type: single nucleotide variant.
Coding change: c.1406T>C on transcript NM_006231.4 (MANE Select); coding-DNA position 1406, T replaced by C.
Protein change: p.Leu469Pro; replaces leucine 469 with proline.
Molecular consequence: missense variant.
Genome position (GRCh38, 1-based): chr12:132,673,231, A>G on the plus strand (T>C on the coding strand, the complement: POLE is on the minus strand). VCF-style: chr12-132673231-A-G. GRCh37 (hg19) VCF-style: chr12-133249817-A-G.
Other names: c.1406T>C (NM_006231.2); short protein forms L469P.
Identifiers: ClinVar variation 1487717 (VCV001487717.9), dbSNP rs2135996457, ClinGen allele CA387358545.

ClinVar aggregate classification (germline): Uncertain significance. Review status: criteria provided, multiple submitters, no conflicts (2 of 4 stars). 2 submissions from 2 submitters: Uncertain significance (2). Last evaluated 2024-01-31.

Conditions:
Hereditary cancer-predisposing syndrome. Also called: Hereditary neoplastic syndrome; Neoplastic Syndromes, Hereditary; Hereditary Cancer Syndrome; Tumor predisposition. Identifiers: Orphanet 140162, MedGen C0027672, MeSH D009386, MONDO:0015356.

Submissions (2):

Ambry Genetics
Classification: Uncertain significance for Hereditary cancer-predisposing syndrome. Last evaluated: 2024-01-31. Review status: criteria provided, single submitter. Criteria: Ambry Variant Classification Scheme 2023. Collection method: clinical testing. Allele origin: germline.
Comment: The p.L469P variant (also known as c.1406T>C), located in coding exon 14 of the POLE gene, results from a T to C substitution at nucleotide position 1406. The leucine at codon 469 is replaced by proline, an amino acid with similar properties. This amino acid position is conserved. In addition, the in silico prediction for this alteration is inconclusive. Based on the available evidence, the clinical significance of this alteration remains unclear.

Labcorp Genetics (formerly Invitae), Labcorp
Classification: Uncertain significance. Last evaluated: 2021-04-30. Review status: criteria provided, single submitter. Criteria: Invitae Variant Classification Sherloc (09022015). Collection method: clinical testing. Allele origin: germline.
Comment: Algorithms developed to predict the effect of missense changes on protein structure and function are either unavailable or do not agree on the potential impact of this missense change (SIFT: "Deleterious"; PolyPhen-2: "Probably Damaging"; Align-GVGD: "Class C0"). In summary, the available evidence is currently insufficient to determine the role of this variant in disease. Therefore, it has been classified as a Variant of Uncertain Significance. This sequence change replaces leucine with proline at codon 469 of the POLE protein (p.Leu469Pro). The leucine residue is moderately conserved and there is a moderate physicochemical difference between leucine and proline. This variant is not present in population databases (ExAC no frequency). This variant has not been reported in the literature in individuals with POLE-related conditions.